The following is an entry in ClinVar:

NM_001277115.2(DNAH11):c.6983+5G>A

Gene: DNAH11 (dynein axonemal heavy chain 11; plus strand). Cytogenetic location: 7p15.3.
Variant type: single nucleotide variant.
Coding change: c.6983+5G>A on transcript NM_001277115.2 (MANE Select); 5 bases into the intron after coding-DNA position 6983, G replaced by A.
Molecular consequence: intron variant.
Genome position (GRCh38, 1-based): chr7:21,711,865, G>A. VCF-style: chr7-21711865-G-A. GRCh37 (hg19) VCF-style: chr7-21751483-G-A.
Identifiers: ClinVar variation 2161314 (VCV002161314.4), dbSNP rs1422019653, ClinGen allele CA836643448.

ClinVar aggregate classification (germline): Uncertain significance (1 of 4 stars; one submission).

Conditions:
Primary ciliary dyskinesia. Also called: Ciliary dyskinesia. Identifiers: Orphanet 244, MedGen C0008780, MONDO:0016575, HP:0012265.

Allele frequency attached by ClinVar (database versions not stated): TOPMed 0.00001.

Submission:

Labcorp Genetics (formerly Invitae), Labcorp
Classification: Uncertain significance for Primary ciliary dyskinesia. Last evaluated: 2022-08-15. Review status: criteria provided, single submitter. Criteria: Invitae Variant Classification Sherloc (09022015). Collection method: clinical testing. Allele origin: germline.
Comment: In summary, the available evidence is currently insufficient to determine the role of this variant in disease. Therefore, it has been classified as a Variant of Uncertain Significance. Variants that disrupt the consensus splice site are a relatively common cause of aberrant splicing (PMID: 17576681, 9536098). Algorithms developed to predict the effect of sequence changes on RNA splicing suggest that this variant may disrupt the consensus splice site. This variant has not been reported in the literature in individuals affected with DNAH11-related conditions. This variant is not present in population databases (gnomAD no frequency). This sequence change falls in intron 42 of the DNAH11 gene. It does not directly change the encoded amino acid sequence of the DNAH11 protein. It affects a nucleotide within the consensus splice site.

Literature cited by the submitters: PubMed 17576681; PubMed 9536098.